The following is an entry in ClinVar:

ClinVar aggregate classification (germline): Uncertain significance. Review status: criteria provided, multiple submitters, no conflicts (2 of 4 stars). 2 submissions from 2 submitters: Uncertain significance (2). Last evaluated 2025-08-04.

Conditions:
Immunodeficiency 39 (IMD39). Identifiers: Orphanet 574918, MedGen C4225358, MONDO:0014597, OMIM 616345.

Allele frequency attached by ClinVar (database versions not stated): ESP Exome Variant Server 0.00023; TOPMed 0.00044; gnomAD 0.00053 and 0.00054; 1000 Genomes Project 0.00100; 1000 Genomes Project 30x 0.00141; gnomAD exomes 0.00005 and 0.00009; ExAC 0.00018.
gnomAD v4.1: 149 of 1,580,224 alleles (0.0094%); highest among the groups gnomAD compares: African/African-American, 0.18%; no homozygotes.

Submissions (2):

Ambry Genetics
Classification: Uncertain significance. Last evaluated: 2025-08-04. Review status: criteria provided, single submitter. Criteria: Ambry Variant Classification Scheme 2023. Collection method: clinical testing. Allele origin: germline.

Labcorp Genetics (formerly Invitae), Labcorp
Classification: Uncertain significance for Immunodeficiency 39. Last evaluated: 2025-05-14. Review status: criteria provided, single submitter. Criteria: Invitae Variant Classification Sherloc (09022015). Collection method: clinical testing. Allele origin: germline.
Comment: This sequence change replaces leucine, which is neutral and non-polar, with proline, which is neutral and non-polar, at codon 284 of the IRF7 protein (p.Leu284Pro). This variant is present in population databases (rs150912530, gnomAD 0.1%), and has an allele count higher than expected for a pathogenic variant. This variant has not been reported in the literature in individuals affected with IRF7-related conditions. ClinVar contains an entry for this variant (Variation ID: 657277). Invitae Evidence Modeling of protein sequence and biophysical properties (such as structural, functional, and spatial information, amino acid conservation, physicochemical variation, residue mobility, and thermodynamic stability) indicates that this missense variant is not expected to disrupt IRF7 protein function with a negative predictive value of 80%. In summary, the available evidence is currently insufficient to determine the role of this variant in disease. Therefore, it has been classified as a Variant of Uncertain Significance.

NM_001572.5(IRF7):c.812T>C (p.Leu271Pro)

Gene: IRF7 (interferon regulatory factor 7; minus strand). Cytogenetic location: 11p15.5.
Variant type: single nucleotide variant.
Coding change: c.812T>C on transcript NM_001572.5 (MANE Select); coding-DNA position 812, T replaced by C.
Protein change: p.Leu271Pro; replaces leucine 271 with proline.
Molecular consequence: missense variant.
Genome position (GRCh38, 1-based): chr11:613,820, A>G on the plus strand (T>C on the coding strand, the complement: IRF7 is on the minus strand). VCF-style: chr11-613820-A-G. GRCh37 (hg19) VCF-style: chr11-613820-A-G.
Other names: c.812T>C, p.Leu271Pro (LRG_1313t1); c.725T>C, p.Leu242Pro (NM_004029.4); c.851T>C, p.Leu284Pro (NM_004031.4); short protein forms L284P, L242P, L271P.
Identifiers: ClinVar variation 657277 (VCV000657277.9), dbSNP rs150912530, ClinGen allele CA5783734.